The following is an entry in ClinVar:

ClinVar aggregate classification (germline): Uncertain significance. Review status: reviewed by expert panel (3 of 4 stars). 2 submissions from 2 submitters: Uncertain significance (1). 1 of the submissions does not count toward it. Last evaluated 2019-11-08.

Conditions:
Phenylketonuria (PKU). Also called: Phenylketonuria (PKU); FOLLING DISEASE; OLIGOPHRENIA PHENYLPYRUVICA; Phenylketonurias. Identifiers: Orphanet 716, MedGen C0031485, MONDO:0009861, OMIM 261600. Disease mechanism: loss of function.

Submissions (2):

ClinGen PAH Variant Curation Expert Panel
Classification: Uncertain significance for Phenylketonuria. Last evaluated: 2019-11-08. Review status: reviewed by expert panel. Criteria: ClinGen PAH ACMG Specifications v1. Collection method: curation. Allele origin: germline. Inheritance: Autosomal recessive inheritance.
Comment: The c.913-8A>G PAH variant has been identified in at least one patient with classic PKU (PMID: 26666653). It was detected in trans with the pathogenic variant c.1315+1G>A (ClinVar 576). This variant is absent from 1000G, ESP, and gnomAD databases. In summary, this variant meets criteria to be classified as uncertain significance for PAH. PAH-specific ACMG/AMP criteria applied: PP4, PM2, PM3.

Inserm U 954, Faculté de Médecine de Nancy
Classification: Likely pathogenic for Phenylketonuria. Review status: no assertion criteria provided. Collection method: not provided. Allele origin: unknown. Not counted in ClinVar's aggregate classification.
ClinVar note: Converted during submission from probable-pathogenic to Likely pathogenic.

Literature cited by the submitters: PubMed 26666653 (cited by ClinGen PAH Variant Curation Expert Panel).

NM_000277.3(PAH):c.913-8A>G

Gene: PAH (phenylalanine hydroxylase; minus strand). Cytogenetic location: 12q23.2.
Variant type: single nucleotide variant.
Coding change: c.913-8A>G on transcript NM_000277.3 (MANE Select); 8 bases into the intron before coding-DNA position 913, A replaced by G.
Molecular consequence: intron variant.
Genome position (GRCh38, 1-based): chr12:102,846,959, T>C on the plus strand (A>G on the coding strand, the complement: PAH is on the minus strand). VCF-style: chr12-102846959-T-C. GRCh37 (hg19) VCF-style: chr12-103240737-T-C.
Other names: c.913-8A>G (NM_001354304.2).
Identifiers: ClinVar variation 120295 (VCV000120295.3), dbSNP rs281865452, ClinGen allele CA267687.